The following is an entry in ClinVar:

ClinVar aggregate classification (germline): Uncertain significance (1 of 4 stars; one submission).

Allele frequency attached by ClinVar (database versions not stated): gnomAD exomes below 0.00001; ExAC 0.00001.
gnomAD v4.1: 4 of 1,613,994 alleles (0.00025%); highest among the groups gnomAD compares: Non-Finnish European, 0.00034%; no homozygotes.

Submission:

Labcorp Genetics (formerly Invitae), Labcorp
Classification: Uncertain significance. Last evaluated: 2024-01-22. Review status: criteria provided, single submitter. Criteria: Invitae Variant Classification Sherloc (09022015). Collection method: clinical testing. Allele origin: germline.
Comment: This sequence change replaces glutamic acid, which is acidic and polar, with glycine, which is neutral and non-polar, at codon 331 of the IARS protein (p.Glu331Gly). This variant is present in population databases (rs769590631, gnomAD 0.0009%). This variant has not been reported in the literature in individuals affected with IARS-related conditions. ClinVar contains an entry for this variant (Variation ID: 1996901). An algorithm developed to predict the effect of missense changes on protein structure and function (PolyPhen-2) suggests that this variant is likely to be tolerated. In summary, the available evidence is currently insufficient to determine the role of this variant in disease. Therefore, it has been classified as a Variant of Uncertain Significance.

NM_002161.6(IARS1):c.992A>G (p.Glu331Gly)

Gene: IARS1 (isoleucyl-tRNA synthetase 1; minus strand). Cytogenetic location: 9q22.31.
Variant type: single nucleotide variant.
Coding change: c.992A>G on transcript NM_002161.6 (MANE Select); coding-DNA position 992, A replaced by G.
Protein change: p.Glu331Gly; replaces glutamic acid 331 with glycine.
Molecular consequence: missense variant. On other transcripts: non-coding transcript variant (1).
Genome position (GRCh38, 1-based): chr9:92,271,654, T>C on the plus strand (A>G on the coding strand, the complement: IARS1 is on the minus strand). VCF-style: chr9-92271654-T-C. GRCh37 (hg19) VCF-style: chr9-95033936-T-C.
Other names: c.992A>G, p.Glu331Gly (NM_001378573.1, NM_001378574.1, NM_001378575.1 and 14 more transcripts); c.869A>G, p.Glu290Gly (NM_001378583.1); c.1055A>G, p.Glu352Gly (NM_001378569.1); c.1013A>G, p.Glu338Gly (NM_001378571.1); short protein forms E331G, E338G, E352G, E290G.
Identifiers: ClinVar variation 1996901 (VCV001996901.4), dbSNP rs769590631, ClinGen allele CA5122765.
Genomic context (GRCh38, chr9:92,271,654, plus strand): 5'-GGGCAAACAGGGAGTGAGTCTTTCCGAATAATGTTAAAGTCCATACAGACCCGATAGTCC[T>C]CCTGAGAAAAGGCAAAAGAGAGGGAAGAATAAAACAGTCTATGTATGGGTGTGAGCATGA-3'
Protein context (NP_002152.2, residues 321-341): VVHQAPYFGA[Glu331Gly]DYRVCMDFNI